The following is an entry in ClinVar:

ClinVar aggregate classification (germline): Uncertain significance (1 of 4 stars; one submission).

Submission:

Labcorp Genetics (formerly Invitae), Labcorp
Classification: Uncertain significance. Last evaluated: 2022-04-18. Review status: criteria provided, single submitter. Criteria: Invitae Variant Classification Sherloc (09022015). Collection method: clinical testing. Allele origin: germline.
Comment: In summary, the available evidence is currently insufficient to determine the role of this variant in disease. Therefore, it has been classified as a Variant of Uncertain Significance. Algorithms developed to predict the effect of missense changes on protein structure and function (SIFT, PolyPhen-2, Align-GVGD) all suggest that this variant is likely to be tolerated. This variant has not been reported in the literature in individuals affected with EXTL3-related conditions. This variant is not present in population databases (gnomAD no frequency). This sequence change replaces threonine, which is neutral and polar, with asparagine, which is neutral and polar, at codon 382 of the EXTL3 protein (p.Thr382Asn).

NM_001440.4(EXTL3):c.1145C>A (p.Thr382Asn)

Gene: EXTL3 (exostosin like glycosyltransferase 3; plus strand). Cytogenetic location: 8p21.1.
Variant type: single nucleotide variant.
Coding change: c.1145C>A on transcript NM_001440.4 (MANE Select); coding-DNA position 1145, C replaced by A.
Protein change: p.Thr382Asn; replaces threonine 382 with asparagine.
Molecular consequence: missense variant.
Genome position (GRCh38, 1-based): chr8:28,717,204, C>A. VCF-style: chr8-28717204-C-A. GRCh37 (hg19) VCF-style: chr8-28574721-C-A.
Other names: short protein forms T382N.
Identifiers: ClinVar variation 2126059 (VCV002126059.4), dbSNP rs2486625857, ClinGen allele CA370858518.